The following is an entry in ClinVar:

ClinVar aggregate classification (germline): Uncertain significance. Review status: criteria provided, single submitter (1 of 4 stars). 3 submissions from 1 submitter: Uncertain significance (3). Last evaluated 2017-04-27.

Conditions:
Insulin-resistant diabetes mellitus AND acanthosis nigricans. Also called: INSULIN RECEPTOR, DEFECT IN, WITH INSULIN-RESISTANT DIABETES MELLITUS AND ACANTHOSIS NIGRICANS; IRAN, TYPE A; Insulin-resistance syndrome type A; type A insulin resistance; DIABETES MELLITUS, INSULIN-RESISTANT, WITH ACANTHOSIS NIGRICANS, TYPE A. Identifiers: Orphanet 2297, MedGen C0342278, MONDO:0012520, OMIM 610549.
Rabson-Mendenhall syndrome. Also called: MENDENHALL SYNDROME; Pineal Hyperplasia, Insulin-Resistant Diabetes Mellitus, and Somatic Abnormalities; Pineal hyperplasia AND diabetes mellitus syndrome. Identifiers: Orphanet 769, MedGen C0271695, MONDO:0009874, OMIM 262190.
Leprechaunism syndrome. Also called: LEPRECHAUNISM; Donohue syndrome. Identifiers: Orphanet 508, MedGen C0265344, MONDO:0009517, OMIM 246200.

Allele frequency attached by ClinVar (database versions not stated): TOPMed 0.00001.
gnomAD v4.1: 7 of 1,613,918 alleles (0.00043%); highest among the groups gnomAD compares: Admixed American, 0.005%; no homozygotes.

Submissions (3):

Illumina Laboratory Services, Illumina
Classification: Uncertain significance for Insulin-resistant diabetes mellitus AND acanthosis nigricans. Last evaluated: 2017-04-27. Review status: criteria provided, single submitter. Criteria: ICSL Variant Classification Criteria 13 December 2019. Collection method: clinical testing. Allele origin: germline.
Comment: This variant was observed as part of a predisposition screen in an ostensibly healthy population. A literature search was performed for the gene, cDNA change, and amino acid change (where applicable). Publications were found based on this search. However, the evidence from the literature, in combination with allele frequency data from public databases where available, was not sufficient to rule this variant in or out of causing disease. Therefore, this variant is classified as a variant of unknown significance.

Illumina Laboratory Services, Illumina
Classification: Uncertain significance for Rabson-Mendenhall syndrome. Last evaluated: 2017-04-27. Review status: criteria provided, single submitter. Criteria: ICSL Variant Classification Criteria 13 December 2019. Collection method: clinical testing. Allele origin: germline.

Illumina Laboratory Services, Illumina
Classification: Uncertain significance for Leprechaunism syndrome. Last evaluated: 2017-04-27. Review status: criteria provided, single submitter. Criteria: ICSL Variant Classification Criteria 13 December 2019. Collection method: clinical testing. Allele origin: germline.

Literature cited by the submitters: PubMed 8314008.

NM_000208.4(INSR):c.4133G>C (p.Arg1378Pro)

Gene: INSR (insulin receptor; minus strand). Cytogenetic location: 19p13.2.
Variant type: single nucleotide variant.
Coding change: c.4133G>C on transcript NM_000208.4 (MANE Select); coding-DNA position 4133, G replaced by C.
Protein change: p.Arg1378Pro; replaces arginine 1378 with proline.
Molecular consequence: missense variant.
Genome position (GRCh38, 1-based): chr19:7,117,072, C>G on the plus strand (G>C on the coding strand, the complement: INSR is on the minus strand). VCF-style: chr19-7117072-C-G. GRCh37 (hg19) VCF-style: chr19-7117083-C-G.
Other names: c.4097G>C, p.Arg1366Pro (NM_001079817.3); short protein forms R1366P, R1378P.
Identifiers: ClinVar variation 892767 (VCV000892767.4), dbSNP rs52826008, ClinGen allele CA403668225.